The following is an entry in ClinVar:

NM_003049.4(SLC10A1):c.472G>A (p.Gly158Ser)

Gene: SLC10A1 (solute carrier family 10 member 1; minus strand). Cytogenetic location: 14q24.1.
Variant type: single nucleotide variant.
Coding change: c.472G>A on transcript NM_003049.4 (MANE Select); coding-DNA position 472, G replaced by A.
Protein change: p.Gly158Ser; replaces glycine 158 with serine.
Molecular consequence: missense variant.
Genome position (GRCh38, 1-based): chr14:69,786,192, C>T on the plus strand (G>A on the coding strand, the complement: SLC10A1 is on the minus strand). VCF-style: chr14-69786192-C-T. GRCh37 (hg19) VCF-style: chr14-70252909-C-T.
Other names: c.472G>A (NM_003049.3); short protein forms G158S.
Identifiers: ClinVar variation 595141 (VCV000595141.6), dbSNP rs201339654, ClinGen allele CA7246156.

ClinVar aggregate classification (germline): Uncertain significance. Review status: criteria provided, multiple submitters, no conflicts (2 of 4 stars). 2 submissions from 2 submitters: Uncertain significance (2). Last evaluated 2026-08-17.

Conditions:
SLC10A1-related disorder. Also called: SLC10A1-related condition.

Allele frequency attached by ClinVar (database versions not stated): gnomAD 0.00001; TOPMed 0.00002.
gnomAD v4.1: 12 of 1,613,964 alleles (0.00074%); highest among the groups gnomAD compares: Admixed American, 0.005%; no homozygotes.

Submissions (2):

PreventionGenetics, part of Exact Sciences
Classification: Uncertain significance for SLC10A1-related condition. Last evaluated: 2026-08-17. Review status: criteria provided, single submitter. Criteria: ACMG Guidelines, 2015. Collection method: clinical testing. Allele origin: germline.
Comment: The SLC10A1 c.472G>A variant is predicted to result in the amino acid substitution p.Gly158Ser. To our knowledge, this variant has not been reported in the literature. This variant is reported in 0.012% of alleles in individuals of Latino descent in gnomAD. At this time, the clinical significance of this variant is uncertain due to the absence of conclusive functional and genetic evidence.

Eurofins Ntd Llc (ga)
Classification: Uncertain significance. Last evaluated: 2017-11-22. Review status: criteria provided, single submitter. Criteria: EGL Classification Definitions 2015. Collection method: clinical testing. Allele origin: germline. Observed: 1 variant allele, 1 heterozygote.